The following is an entry in ClinVar:

NM_206926.2(SELENON):c.970G>A (p.Asp324Asn)

Gene: SELENON (selenoprotein N; plus strand). Cytogenetic location: 1p36.11.
Variant type: single nucleotide variant.
Coding change: c.970G>A on transcript NM_206926.2 (MANE Select); coding-DNA position 970, G replaced by A.
Protein change: p.Asp324Asn; replaces aspartic acid 324 with asparagine.
Molecular consequence: missense variant.
Genome position (GRCh38, 1-based): chr1:25,811,515, G>A. VCF-style: chr1-25811515-G-A. GRCh37 (hg19) VCF-style: chr1-26138006-G-A.
Other names: c.1072G>A, p.Asp358Asn (NM_020451.3); short protein forms D358N, D324N.
Identifiers: ClinVar variation 839931 (VCV000839931.7), dbSNP rs2047959221, ClinGen allele CA339116498.

ClinVar aggregate classification (germline): Uncertain significance (1 of 4 stars; one submission).

Conditions:
Eichsfeld type congenital muscular dystrophy (CMYO3). Also called: MYOPATHY, SEPN1-RELATED; SELENON-related myopathy; Congenital myopathy 3 with rigid spine; Rigid spine muscular dystrophy 1. Identifiers: MedGen C0410180, MONDO:0100100, OMIM 602771.

Allele frequency attached by ClinVar (database versions not stated): gnomAD exomes 0.00001.
gnomAD v4.1: 3 of 1,614,146 alleles (0.00019%); highest among the groups gnomAD compares: Admixed American, 0.005%; no homozygotes.

Submission:

Labcorp Genetics (formerly Invitae), Labcorp
Classification: Uncertain significance for Eichsfeld type congenital muscular dystrophy. Last evaluated: 2022-07-25. Review status: criteria provided, single submitter. Criteria: Invitae Variant Classification Sherloc (09022015). Collection method: clinical testing. Allele origin: germline.
Comment: This sequence change replaces aspartic acid, which is acidic and polar, with asparagine, which is neutral and polar, at codon 358 of the SELENON protein (p.Asp358Asn). This variant is not present in population databases (gnomAD no frequency). This variant has not been reported in the literature in individuals affected with SELENON-related conditions. ClinVar contains an entry for this variant (Variation ID: 839931). Algorithms developed to predict the effect of missense changes on protein structure and function are either unavailable or do not agree on the potential impact of this missense change (SIFT: "Deleterious"; PolyPhen-2: "Probably Damaging"; Align-GVGD: "Class C15"). Algorithms developed to predict the effect of sequence changes on RNA splicing suggest that this variant may create or strengthen a splice site. In summary, the available evidence is currently insufficient to determine the role of this variant in disease. Therefore, it has been classified as a Variant of Uncertain Significance.